The following is an entry in ClinVar:

ClinVar aggregate classification (germline): Uncertain significance (1 of 4 stars; one submission).

gnomAD v4.1: 1 of 1,614,032 alleles (0.000062%); highest among the groups gnomAD compares: Non-Finnish European, 0.000085%; no homozygotes.

Submission:

Labcorp Genetics (formerly Invitae), Labcorp
Classification: Uncertain significance. Last evaluated: 2025-03-31. Review status: criteria provided, single submitter. Criteria: Invitae Variant Classification Sherloc (09022015). Collection method: clinical testing. Allele origin: germline.
Comment: This sequence change replaces glutamic acid, which is acidic and polar, with valine, which is neutral and non-polar, at codon 423 of the GDF5 protein (p.Glu423Val). This variant is present in population databases (rs367877671, gnomAD 0.0009%). This variant has not been reported in the literature in individuals affected with GDF5-related conditions. Invitae Evidence Modeling of protein sequence and biophysical properties (such as structural, functional, and spatial information, amino acid conservation, physicochemical variation, residue mobility, and thermodynamic stability) indicates that this missense variant is not expected to disrupt GDF5 protein function with a negative predictive value of 80%. In summary, the available evidence is currently insufficient to determine the role of this variant in disease. Therefore, it has been classified as a Variant of Uncertain Significance.

NM_000557.5(GDF5):c.1268A>T (p.Glu423Val)

Genes: GDF5 (growth differentiation factor 5; minus strand), GDF5-AS1 (GDF5 antisense RNA 1; plus strand). Cytogenetic location: 20q11.22.
Variant type: single nucleotide variant.
Coding change: c.1268A>T on transcript NM_000557.5 (MANE Select); coding-DNA position 1268, A replaced by T.
Protein change: p.Glu423Val; replaces glutamic acid 423 with valine.
Molecular consequence: missense variant. On other transcripts: non-coding transcript variant (1).
Genome position (GRCh38, 1-based): chr20:35,434,147, T>A on the plus strand (A>T on the coding strand, the complement: GDF5 is on the minus strand). VCF-style: chr20-35434147-T-A. GRCh37 (hg19) VCF-style: chr20-34021945-T-A.
Other names: c.1268A>T, p.Glu423Val (NM_001319138.2); short protein forms E423V.
Identifiers: ClinVar variation 3618178 (VCV003618178.2).
Genomic context (GRCh38, chr20:35,434,147, plus strand): 5'-GGCTCCAGGTGGGAGCGCAATGGGAACTCGCACAGCCCCTCGCAGTGGAAAGCCTCGTAC[T>A]CAAGGGGTGCGATGATCCAGTCGTCCCAGCCCATGTCCTTGAAGTTGACATGCAGTGCCT-3'
Protein context (NP_000548.2, residues 413-433): GWDDWIIAPL[Glu423Val]YEAFHCEGLC